The following is an entry in ClinVar:

NM_006312.6(NCOR2):c.7263G>T (p.Gly2421=)

Gene: NCOR2 (nuclear receptor corepressor 2; minus strand). Cytogenetic location: 12q24.31.
Variant type: single nucleotide variant.
Coding change: c.7263G>T on transcript NM_006312.6 (MANE Select); coding-DNA position 7263, G replaced by T.
Protein change: p.Gly2421=; no amino-acid change (glycine 2421 retained).
Molecular consequence: synonymous variant.
Genome position (GRCh38, 1-based): chr12:124,326,291, C>A on the plus strand (G>T on the coding strand, the complement: NCOR2 is on the minus strand). VCF-style: chr12-124326291-C-A. GRCh37 (hg19) VCF-style: chr12-124810837-C-A.
Other names: c.7095G>T, p.Gly2365= (NM_001077261.4); c.7233G>T, p.Gly2411= (NM_001206654.2).
Identifiers: ClinVar variation 3050726 (VCV003050726.2), dbSNP rs61744311, ClinGen allele CA6867158.

ClinVar aggregate classification (germline): Benign (0 of 4 stars; one submission).

Conditions:
NCOR2-related disorder. Also called: NCOR2-related condition.

Allele frequency attached by ClinVar (database versions not stated): ExAC 0.00597; ESP Exome Variant Server 0.00775; gnomAD 0.00855; TOPMed 0.00971; 1000 Genomes Project 0.01018; 1000 Genomes Project 30x 0.01046.
gnomAD v4.1: 2,447 of 1,567,204 alleles (0.16%); highest among the groups gnomAD compares: African/African-American, 3%; 35 homozygotes.

Submission:

PreventionGenetics, part of Exact Sciences
Classification: Benign for NCOR2-related condition. Last evaluated: 2019-07-31. Review status: no assertion criteria provided. Collection method: clinical testing. Allele origin: germline.
Comment: This variant is classified as benign based on ACMG/AMP sequence variant interpretation guidelines (Richards et al. 2015 PMID: 25741868, with internal and published modifications).